The following is an entry in ClinVar:

NM_000179.3(MSH6):c.3292T>C (p.Cys1098Arg)

Gene: MSH6 (mutS homolog 6; plus strand). Cytogenetic location: 2p16.3.
Variant type: single nucleotide variant.
Coding change: c.3292T>C on transcript NM_000179.3 (MANE Select); coding-DNA position 3292, T replaced by C.
Protein change: p.Cys1098Arg; replaces cysteine 1098 with arginine.
Molecular consequence: missense variant.
Genome position (GRCh38, 1-based): chr2:47,803,539, T>C. VCF-style: chr2-47803539-T-C. GRCh37 (hg19) VCF-style: chr2-48030678-T-C.
Other names: c.2902T>C, p.Cys968Arg (NM_001281492.2); c.2386T>C, p.Cys796Arg (NM_001281493.2, NM_001281494.2, NM_001406811.1 and 6 more transcripts); c.3388T>C, p.Cys1130Arg (NM_001406795.1, NM_001406802.1); c.3292T>C, p.Cys1098Arg (NM_001406796.1, NM_001406800.1, NM_001406808.1 and 1 more transcripts); c.2995T>C, p.Cys999Arg (NM_001406797.1, NM_001406801.1, NM_001406805.1 and 10 more transcripts); c.2767T>C, p.Cys923Arg (NM_001406799.1, NM_001406806.1, NM_001406807.1); c.2428T>C, p.Cys810Arg (NM_001406803.1); c.3214T>C, p.Cys1072Arg (NM_001406804.1); and 6 more; short protein forms C1098R, C25R, C413R, C810R, C923R, C1100R, C576R, C968R.
Identifiers: ClinVar variation 1729863 (VCV001729863.5), dbSNP rs1553331482, ClinGen allele CA346758434.

ClinVar aggregate classification (germline): Uncertain significance. Review status: criteria provided, multiple submitters, no conflicts (2 of 4 stars). 2 submissions from 2 submitters: Uncertain significance (2). Last evaluated 2023-06-27.

Conditions:
Hereditary nonpolyposis colorectal neoplasms. Identifiers: MedGen C0009405, MeSH D003123.
Hereditary cancer-predisposing syndrome. Also called: Neoplastic Syndromes, Hereditary; Tumor predisposition; Hereditary Cancer Syndrome; Hereditary neoplastic syndrome. Identifiers: Orphanet 140162, MedGen C0027672, MeSH D009386, MONDO:0015356.

Submissions (2):

Labcorp Genetics (formerly Invitae), Labcorp
Classification: Uncertain significance for Hereditary nonpolyposis colorectal neoplasms. Last evaluated: 2023-06-27. Review status: criteria provided, single submitter. Criteria: Invitae Variant Classification Sherloc (09022015). Collection method: clinical testing. Allele origin: germline.
Comment: In summary, the available evidence is currently insufficient to determine the role of this variant in disease. Therefore, it has been classified as a Variant of Uncertain Significance. Advanced modeling of protein sequence and biophysical properties (such as structural, functional, and spatial information, amino acid conservation, physicochemical variation, residue mobility, and thermodynamic stability) has been performed at Invitae for this missense variant, however the output from this modeling did not meet the statistical confidence thresholds required to predict the impact of this variant on MSH6 protein function. ClinVar contains an entry for this variant (Variation ID: 1729863). This variant has not been reported in the literature in individuals affected with MSH6-related conditions. This variant is not present in population databases (gnomAD no frequency). This sequence change replaces cysteine, which is neutral and slightly polar, with arginine, which is basic and polar, at codon 1098 of the MSH6 protein (p.Cys1098Arg).

Ambry Genetics
Classification: Uncertain significance for Hereditary cancer-predisposing syndrome. Last evaluated: 2020-06-18. Review status: criteria provided, single submitter. Criteria: Ambry Variant Classification Scheme 2023. Collection method: clinical testing. Allele origin: germline.
Comment: The p.C1098R variant (also known as c.3292T>C), located in coding exon 5 of the MSH6 gene, results from a T to C substitution at nucleotide position 3292. The cysteine at codon 1098 is replaced by arginine, an amino acid with highly dissimilar properties. This amino acid position is highly conserved in available vertebrate species. In addition, this alteration is predicted to be deleterious by in silico analysis. Since supporting evidence is limited at this time, the clinical significance of this alteration remains unclear.